The following is an entry in ClinVar:

ClinVar aggregate classification (germline): Uncertain significance (1 of 4 stars; one submission).

Conditions:
Renal cell carcinoma. Identifiers: Orphanet 217071, MedGen C0007134, MeSH D002292, MONDO:0005086, HP:0005584.

gnomAD v4.1: 3 of 1,613,786 alleles (0.00019%); highest among the groups gnomAD compares: Non-Finnish European, 0.00025%; no homozygotes.

Submission:

Labcorp Genetics (formerly Invitae), Labcorp
Classification: Uncertain significance for Renal cell carcinoma. Last evaluated: 2021-09-20. Review status: criteria provided, single submitter. Criteria: Invitae Variant Classification Sherloc (09022015). Collection method: clinical testing. Allele origin: germline.
Comment: Algorithms developed to predict the effect of missense changes on protein structure and function output the following: SIFT: "Tolerated"; PolyPhen-2: "Benign"; Align-GVGD: "Class C0". The histidine amino acid residue is found in multiple mammalian species, which suggests that this missense change does not adversely affect protein function. This sequence change replaces glutamine with histidine at codon 978 of the MET protein (p.Gln978His). The glutamine residue is moderately conserved and there is a small physicochemical difference between glutamine and histidine. This variant is not present in population databases (ExAC no frequency). This variant has not been reported in the literature in individuals affected with MET-related conditions. In summary, the available evidence is currently insufficient to determine the role of this variant in disease. Therefore, it has been classified as a Variant of Uncertain Significance.

NM_000245.4(MET):c.2880A>T (p.Gln960His)

Gene: MET (MET proto-oncogene, receptor tyrosine kinase; plus strand). Cytogenetic location: 7q31.2.
Variant type: single nucleotide variant.
Coding change: c.2880A>T on transcript NM_000245.4 (MANE Select); coding-DNA position 2880, A replaced by T.
Protein change: p.Gln960His; replaces glutamine 960 with histidine.
Molecular consequence: missense variant.
Genome position (GRCh38, 1-based): chr7:116,771,647, A>T. VCF-style: chr7-116771647-A-T. GRCh37 (hg19) VCF-style: chr7-116411701-A-T.
Other names: c.2934A>T, p.Gln978His (NM_001127500.3); c.1590A>T, p.Gln530His (NM_001324402.2); short protein forms Q530H, Q960H, Q978H.
Identifiers: ClinVar variation 1520569 (VCV001520569.6), dbSNP rs2116993238, ClinGen allele CA368986797.
Genomic context (GRCh38, chr7:116,771,647, plus strand): 5'-AATATCAACAGCACTGTTATTACTACTTGGGTTTTTCCTGTGGCTGAAAAAGAGAAAGCA[A>T]ATTAAAGGTGCATTTTTGTTACTGTTCATTTTTAGAAGTTACCTTAAGAACACAGTCATT-3'
Protein context (NP_000236.2, residues 950-970): GFFLWLKKRK[Gln960His]IKDLGSELVR